The following is an entry in ClinVar:

NM_000722.4(CACNA2D1):c.1956-12dup

Gene: CACNA2D1 (calcium voltage-gated channel auxiliary subunit alpha2delta 1; minus strand). Cytogenetic location: 7q21.11.
Variant type: Duplication.
Coding change: c.1956-12dup on transcript NM_000722.4 (MANE Select); 12 bases into the intron before coding-DNA position 1956, one base duplicated (T; older notation c.1956-12dupT).
Molecular consequence: intron variant.
Genome position (GRCh38, 1-based): chr7:81,974,556, A duplicated on the plus strand (T on the coding strand, the reverse complement: CACNA2D1 is on the minus strand); the first of 9 consecutive A bases (chr7:81,974,556-81,974,564); duplicating any one gives the same sequence. VCF-style (leftmost placement, unchanged base first): chr7-81974555-G-GA. GRCh37 (hg19) VCF-style: chr7-81603871-G-GA.
Other names: c.1992-12dup (NM_001366867.1); c.1956-4dup (NM_000722.3, LRG_437t1); c.1956-4dupT (NM_000722.2).
Identifiers: ClinVar variation 518634 (VCV000518634.19), dbSNP rs3083235, ClinGen allele CA4317793.

ClinVar aggregate classification (germline): Benign. Review status: criteria provided, multiple submitters, no conflicts (2 of 4 stars). 4 submissions from 4 submitters: Benign (3). 1 of the submissions does not count toward it. Last evaluated 2026-01-14.

Conditions:
Brugada syndrome. Also called: Sudden unexplained nocturnal death syndrome; Sudden unexpected nocturnal death syndrome; Sudden Unexplained Death Syndrome; Sudden Unexplained Nocturnal Death Syndrome (SUNDS). Identifiers: Orphanet 130, MedGen C1142166, MONDO:0015263.
Cardiovascular phenotype. Identifiers: MedGen CN230736.
CACNA2D1-related disorder. Also called: CACNA2D1-related condition.

Submissions (4):

Labcorp Genetics (formerly Invitae), Labcorp
Classification: Benign for Brugada syndrome. Last evaluated: 2026-01-14. Review status: criteria provided, single submitter. Criteria: Invitae Variant Classification Sherloc (09022015). Collection method: clinical testing. Allele origin: germline.

Athena Diagnostics
Classification: Benign. Last evaluated: 2025-09-30. Review status: criteria provided, single submitter. Criteria: Athena Diagnostics Criteria. Collection method: clinical testing. Allele origin: unknown.
Comment: The frequency of this variant in the general population is higher than would generally be expected for pathogenic variants in this gene. Computational tools yielded predictions that this variant is unlikely to have an effect on normal RNA splicing.

Ambry Genetics
Classification: Benign for Cardiovascular phenotype. Last evaluated: 2017-02-20. Review status: criteria provided, single submitter. Criteria: Ambry Variant Classification Scheme 2023. Collection method: clinical testing. Allele origin: germline.

PreventionGenetics, part of Exact Sciences
Classification: Likely benign for CACNA2D1-related condition. Last evaluated: 2020-03-11. Review status: no assertion criteria provided. Collection method: clinical testing. Allele origin: germline. Not counted in ClinVar's aggregate classification.
Comment: This variant is classified as likely benign based on ACMG/AMP sequence variant interpretation guidelines (Richards et al. 2015 PMID: 25741868, with internal and published modifications).